The following is an entry in ClinVar:

NM_000264.5(PTCH1):c.581A>G (p.Asn194Ser)

Gene: PTCH1 (patched 1; minus strand). Cytogenetic location: 9q22.32.
Variant type: single nucleotide variant.
Coding change: c.581A>G on transcript NM_000264.5 (MANE Select); coding-DNA position 581, A replaced by G.
Protein change: p.Asn194Ser; replaces asparagine 194 with serine.
Molecular consequence: missense variant. On other transcripts: non-coding transcript variant (1).
Genome position (GRCh38, 1-based): chr9:95,485,688, T>C on the plus strand (A>G on the coding strand, the complement: PTCH1 is on the minus strand). VCF-style: chr9-95485688-T-C. GRCh37 (hg19) VCF-style: chr9-98247970-T-C.
Other names: c.383A>G, p.Asn128Ser (NM_001083602.3, NM_001354919.2); c.578A>G, p.Asn193Ser (NM_001083603.3); c.128A>G, p.Asn43Ser (NM_001083604.3, NM_001083605.3, NM_001083606.3 and 1 more transcripts); c.581A>G, p.Asn194Ser (NM_001354918.2); short protein forms N194S, N193S, N43S, N128S.
Identifiers: ClinVar variation 3669161 (VCV003669161.2).

ClinVar aggregate classification (germline): Uncertain significance (1 of 4 stars; one submission).

Conditions:
Gorlin syndrome. Also called: Basal cell nevus syndrome; Nevoid Basal Cell Carcinoma Syndrome. Identifiers: Orphanet 377, MedGen C0004779, MONDO:0007187.

gnomAD v4.1: 1 of 1,614,072 alleles (0.000062%); no homozygotes.

Submission:

Labcorp Genetics (formerly Invitae), Labcorp
Classification: Uncertain significance for Gorlin syndrome. Last evaluated: 2024-11-30. Review status: criteria provided, single submitter. Criteria: Invitae Variant Classification Sherloc (09022015). Collection method: clinical testing. Allele origin: germline.
Comment: This sequence change replaces asparagine, which is neutral and polar, with serine, which is neutral and polar, at codon 194 of the PTCH1 protein (p.Asn194Ser). This variant is not present in population databases (gnomAD no frequency). This variant has not been reported in the literature in individuals affected with PTCH1-related conditions. Invitae Evidence Modeling of protein sequence and biophysical properties (such as structural, functional, and spatial information, amino acid conservation, physicochemical variation, residue mobility, and thermodynamic stability) has been performed for this missense variant. However, the output from this modeling did not meet the statistical confidence thresholds required to predict the impact of this variant on PTCH1 protein function. In summary, the available evidence is currently insufficient to determine the role of this variant in disease. Therefore, it has been classified as a Variant of Uncertain Significance.